The following is an entry in ClinVar:

ClinVar aggregate classification (germline): Uncertain significance (1 of 4 stars; one submission).

Conditions:
Cardiovascular phenotype. Identifiers: MedGen CN230736.
Hereditary cancer-predisposing syndrome. Also called: Tumor predisposition; Hereditary neoplastic syndrome; Hereditary Cancer Syndrome; Neoplastic Syndromes, Hereditary. Identifiers: Orphanet 140162, MedGen C0027672, MeSH D009386, MONDO:0015356.

Submission:

Ambry Genetics
Classification: Uncertain significance for Cardiovascular phenotype; Hereditary cancer-predisposing syndrome. Last evaluated: 2025-05-05. Review status: criteria provided, single submitter. Criteria: Ambry Variant Classification Scheme 2023. Collection method: clinical testing. Allele origin: germline.
Comment: The c.1287_1288delGCinsAA variant (also known as p.H430N), located in coding exon 12 of the LZTR1 gene, results from an in-frame deletion of GC and insertion of AA at nucleotide positions 1287 to 1288. This results in the substitution of the histidine residue for an asparagine residue at codon 430, an amino acid with similar properties. This amino acid position is highly conserved in available vertebrate species. Based on the available evidence, the clinical significance of this variant remains unclear.

NM_006767.4(LZTR1):c.1287_1288delinsAA (p.His430Asn)

Gene: LZTR1 (leucine zipper like post translational regulator 1; plus strand). Cytogenetic location: 22q11.21.
Variant type: Indel.
Coding change: c.1287_1288delinsAA on transcript NM_006767.4 (MANE Select); coding-DNA positions 1287 to 1288, GC replaced by AA.
Protein change: p.His430Asn; replaces histidine 430 with asparagine.
Molecular consequence: missense variant.
Genome position (GRCh38, 1-based): chr22:20,993,688-20,993,689, GC replaced by AA. VCF-style: chr22-20993688-GC-AA. GRCh37 (hg19) VCF-style: chr22-21347977-GC-AA.
Other names: short protein forms H430N.
Identifiers: ClinVar variation 3961625 (VCV003961625.1).